The following is an entry in ClinVar:

NM_001349253.2(SCN11A):c.3999T>C (p.Tyr1333=)

Gene: SCN11A (sodium voltage-gated channel alpha subunit 11; minus strand). Cytogenetic location: 3p22.2.
Variant type: single nucleotide variant.
Coding change: c.3999T>C on transcript NM_001349253.2 (MANE Select); coding-DNA position 3999, T replaced by C.
Protein change: p.Tyr1333=; no amino-acid change (tyrosine 1333 retained).
Molecular consequence: synonymous variant.
Genome position (GRCh38, 1-based): chr3:38,863,252, A>G on the plus strand (T>C on the coding strand, the complement: SCN11A is on the minus strand). VCF-style: chr3-38863252-A-G. GRCh37 (hg19) VCF-style: chr3-38904743-A-G.
Other names: c.3999T>C, p.Tyr1333= (NM_014139.3).
Identifiers: ClinVar variation 2925821 (VCV002925821.3), dbSNP rs1205698859, ClinGen allele CA433141398.
Genomic context (GRCh38, chr3:38,863,252, plus strand): 5'-CACCAGAGGCCGTGGAATGGGTTTTTGAGGTTTTTTGGATCCTAATTTTTTCATTGCATT[A>G]TAGTATTTCTTCTGTTCTTCTGTCATAAAAATGTCTTGGCCACCTAAGTATATGGAGAAG-3'
Protein context (NP_001336182.1, residues 1323-1343): IFMTEEQKKY[Tyr1333=]NAMKKLGSKK

ClinVar aggregate classification (germline): Uncertain significance (1 of 4 stars; one submission).

Conditions:
Familial episodic pain syndrome with predominantly lower limb involvement. Also called: Episodic pain syndrome, familial, 3. Identifiers: Orphanet 391384, Orphanet 391392, MedGen C3809899, MONDO:0014247, OMIM 615552.
Hereditary sensory and autonomic neuropathy type 7. Also called: Neuropathy, hereditary sensory and autonomic, type VII; HSAN VII. Identifiers: Orphanet 391397, MedGen C3809882, MONDO:0014244, OMIM 615548.

Allele frequency attached by ClinVar (database versions not stated): gnomAD exomes below 0.00001.
gnomAD v4.1: 6 of 1,608,738 alleles (0.00037%); highest among the groups gnomAD compares: Non-Finnish European, 0.00043%; no homozygotes.

Submission:

Labcorp Genetics (formerly Invitae), Labcorp
Classification: Uncertain significance for Familial episodic pain syndrome with predominantly lower limb involvement; Hereditary sensory and autonomic neuropathy type 7. Last evaluated: 2023-10-18. Review status: criteria provided, single submitter. Criteria: Invitae Variant Classification Sherloc (09022015). Collection method: clinical testing. Allele origin: germline.
Comment: This sequence change affects codon 1333 of the SCN11A mRNA. It is a 'silent' change, meaning that it does not change the encoded amino acid sequence of the SCN11A protein. This variant is present in population databases (no rsID available, gnomAD 0.0009%). This variant has not been reported in the literature in individuals affected with SCN11A-related conditions. Algorithms developed to predict the effect of sequence changes on RNA splicing suggest that this variant may create or strengthen a splice site. In summary, the available evidence is currently insufficient to determine the role of this variant in disease. Therefore, it has been classified as a Variant of Uncertain Significance.